The following is an entry in ClinVar:

NM_032578.4(MYPN):c.1563C>T (p.Tyr521=)

Gene: MYPN (myopalladin; plus strand). Cytogenetic location: 10q21.3.
Variant type: single nucleotide variant.
Coding change: c.1563C>T on transcript NM_032578.4 (MANE Select); coding-DNA position 1563, C replaced by T.
Protein change: p.Tyr521=; no amino-acid change (tyrosine 521 retained).
Molecular consequence: synonymous variant. On other transcripts: non-coding transcript variant (2).
Genome position (GRCh38, 1-based): chr10:68,165,781, C>T. VCF-style: chr10-68165781-C-T. GRCh37 (hg19) VCF-style: chr10-69925538-C-T.
Other names: c.1563C>T, p.Tyr521= (NM_001256267.2); c.681C>T, p.Tyr227= (NM_001256268.2).
Identifiers: ClinVar variation 241707 (VCV000241707.62), dbSNP rs77249928, ClinGen allele CA5522608.

ClinVar aggregate classification (germline): Benign/Likely benign. Review status: criteria provided, multiple submitters, no conflicts (2 of 4 stars). 11 submissions from 11 submitters: Benign (3); Likely benign (5). 3 of the submissions do not count toward it. Last evaluated 2026-01-27.

Conditions:
Cardiovascular phenotype. Identifiers: MedGen CN230736.
Dilated cardiomyopathy 1KK (CMD1KK). Identifiers: Orphanet 154, Orphanet 75249, MedGen C3714995, MONDO:0014100, OMIM 615248.

Allele frequency attached by ClinVar (database versions not stated): ExAC 0.00063; 1000 Genomes Project 0.00140; 1000 Genomes Project 30x 0.00156; gnomAD 0.00178 and 0.00189; TOPMed 0.00190; ESP Exome Variant Server 0.00223.
gnomAD v4.1: 694 of 1,614,104 alleles (0.043%); highest among the groups gnomAD compares: African/African-American, 0.56%; no homozygotes.

Submissions (11):

Labcorp Genetics (formerly Invitae), Labcorp
Classification: Benign for Dilated cardiomyopathy 1KK. Last evaluated: 2026-01-27. Review status: criteria provided, single submitter. Criteria: Invitae Variant Classification Sherloc (09022015). Collection method: clinical testing. Allele origin: germline.

Blueprint Genetics
Classification: Likely benign. Last evaluated: 2024-11-20. Review status: criteria provided, single submitter. Criteria: ACMG Guidelines, 2015. Collection method: clinical testing. Allele origin: germline.

Women's Health and Genetics/Laboratory Corporation of America, LabCorp
Classification: Benign. Last evaluated: 2023-08-19. Review status: criteria provided, single submitter. Criteria: LabCorp Variant Classification Summary - May 2015. Collection method: clinical testing. Allele origin: germline.

CeGaT Center for Human Genetics Tuebingen
Classification: Likely benign. Last evaluated: 2022-05-01. Review status: criteria provided, single submitter. Criteria: CeGaT Center For Human Genetics Tuebingen Variant Classification Criteria Version 2. Collection method: clinical testing. Allele origin: germline. Affected: yes. Observed: 1 variant allele.
Comment: MYPN: BP4, BP7

Ambry Genetics
Classification: Likely benign for Cardiovascular phenotype. Last evaluated: 2017-03-13. Review status: criteria provided, single submitter. Criteria: Ambry Variant Classification Scheme 2023. Collection method: clinical testing. Allele origin: germline.

Eurofins Ntd Llc (ga)
Classification: Likely benign. Last evaluated: 2015-07-14. Review status: criteria provided, single submitter. Criteria: EGL Classification Definitions 2015. Collection method: clinical testing. Allele origin: germline. Observed: 1 variant allele, 1 heterozygote.

GeneDx
Classification: Benign. Last evaluated: 2015-03-03. Review status: criteria provided, single submitter. Criteria: GeneDx Variant Classification Process June 2021. Collection method: clinical testing. Allele origin: germline. Affected: yes.

Breakthrough Genomics
Classification: Likely benign. Review status: criteria provided, single submitter. Criteria: ACMG Guidelines, 2015. Collection method: not provided. Allele origin: germline. Inheritance: Autosomal recessive inheritance. Affected: yes.

Clinical Genetics DNA and cytogenetics Diagnostics Lab, Erasmus MC, Erasmus Medical Center
Classification: Likely benign. Review status: no assertion criteria provided. Collection method: clinical testing. Allele origin: germline. Affected: yes. Study: VKGL Data-share Consensus. Not counted in ClinVar's aggregate classification.

Clinical Genetics, Academic Medical Center
Classification: Benign. Review status: no assertion criteria provided. Collection method: clinical testing. Allele origin: germline. Affected: yes. Study: VKGL Data-share Consensus. Not counted in ClinVar's aggregate classification.

Joint Genome Diagnostic Labs from Nijmegen and Maastricht, Radboudumc and MUMC+
Classification: Benign. Review status: no assertion criteria provided. Collection method: clinical testing. Allele origin: germline. Affected: yes. Study: VKGL Data-share Consensus. Not counted in ClinVar's aggregate classification.